The following is an entry in ClinVar:

NM_001625.4(AK2):c.499-1_499insATGAC (p.Ile167fs)

Gene: AK2 (adenylate kinase 2; minus strand). Cytogenetic location: 1p35.1.
Variant type: Insertion.
Coding change: c.499-1_499insATGAC on transcript NM_001625.4 (MANE Select); the canonical splice acceptor site of the intron before coding-DNA position 499 through coding-DNA position 499, ATGAC inserted.
Protein change: p.Ile167fs; shifts the reading frame from isoleucine 167.
Molecular consequence: frameshift variant. On other transcripts: no sequence alteration (1), non-coding transcript variant (1).
Genome position: GRCh38 VCF-style: chr1-33013400-G-GATGTC. GRCh37 (hg19) VCF-style: chr1-33479001-G-GATGTC.
Other names: c.475-1_475insATGAC, p.Ile159fs (NM_001199199.3); c.355-1_355insATGAC, p.Ile119fs (NM_001319139.3, NM_001319140.2); c.499-1_499insATGAC, p.Ile167fs (NM_001319141.3, NM_013411.5); c.373-1_373insATGAC, p.Ile125fs (NM_001319142.3); c.*2-1_*2insATGAC, p.Arg133_Ter134= (NM_001319143.2); short protein forms I119fs, I125fs, I159fs, I167fs.
Identifiers: ClinVar variation 1339681 (VCV001339681.1), dbSNP rs1398317449, ClinGen allele CA417066574.
Genomic context (GRCh38, chr1:33,013,400, plus strand): 5'-CAGGCGGATTTTCAAGGCCTTTTCATTATCATCTGATCGACGGATCAAGGGTTCCCCGGT[G>GATGTC]ATCTGAGAACAGGAAGACAGCAATGAAAGGCTGGGACTGTTAGCAAGGTTTTCTTATTCC-3'

ClinVar aggregate classification (germline): Likely pathogenic (1 of 4 stars; one submission).

Conditions:
Severe combined immunodeficiency disease. Also called: Severe combined immunodeficiency; Severe Combined Immune Deficiency. Identifiers: Orphanet 183660, MedGen C0085110, MeSH D016511, MONDO:0015974, HP:0004430. Inheritance: X-Linked or Autosomal recessive.

Submission:

Women's Health and Genetics/Laboratory Corporation of America, LabCorp
Classification: Likely pathogenic for Severe combined immunodeficiency disease. Last evaluated: 2022-01-11. Review status: criteria provided, single submitter. Criteria: LabCorp Variant Classification Summary - May 2015. Collection method: clinical testing. Allele origin: germline.
Comment: Variant summary: AK2 c.500_501insGACAT (p.Ile167MetfsX8) results in a premature termination codon, predicted to cause a truncation of the encoded protein or absence of the protein due to nonsense mediated decay, which are commonly known mechanisms for disease. Truncations downstream of this position have been reported in HGMD in association with Reticular dysgenesis (p.Gly205Aspfs*28, p.Ser213Aspfs*21). The variant allele was found at a frequency of 4e-06 in 249484 control chromosomes. To our knowledge, no occurrence of c.500_501insGACAT in individuals affected with Severe Combined Immunodeficiency and no experimental evidence demonstrating its impact on protein function have been reported. No clinical diagnostic laboratories have submitted clinical-significance assessments for this variant to ClinVar after 2014. Based on the evidence outlined above, the variant was classified as likely pathogenic.